The following is an entry in ClinVar:

ClinVar aggregate classification (germline): Likely benign (1 of 4 stars; one submission).

Allele frequency attached by ClinVar (database versions not stated): gnomAD 0.00664 and 0.00756; TOPMed 0.00743; 1000 Genomes Project 30x 0.01624; 1000 Genomes Project 0.01777.
gnomAD v4.1: 1,143 of 152,164 alleles (0.75%); highest among the groups gnomAD compares: South Asian, 3.1%; 8 homozygotes.

Submission:

GeneDx
Classification: Likely benign. Last evaluated: 2018-06-19. Review status: criteria provided, single submitter. Criteria: GeneDx Variant Classification (06012015). Collection method: clinical testing. Allele origin: germline. Affected: yes.
Comment: This variant is considered likely benign or benign based on one or more of the following criteria: it is a conservative change, it occurs at a poorly conserved position in the protein, it is predicted to be benign by multiple in silico algorithms, and/or has population frequency not consistent with disease.

NM_001458.5(FLNC):c.352+240G>C

Gene: FLNC (filamin C; plus strand). Cytogenetic location: 7q32.1.
Variant type: single nucleotide variant.
Coding change: c.352+240G>C on transcript NM_001458.5 (MANE Select); 240 bases into the intron after coding-DNA position 352, G replaced by C.
Molecular consequence: intron variant.
Genome position (GRCh38, 1-based): chr7:128,831,229, G>C. VCF-style: chr7-128831229-G-C. GRCh37 (hg19) VCF-style: chr7-128471283-G-C.
Other names: c.352+240G>C (NM_001127487.2).
Identifiers: ClinVar variation 679401 (VCV000679401.1), dbSNP rs3778755, ClinGen allele CA166207686.